The following is an entry in ClinVar:

NM_000264.5(PTCH1):c.886del (p.Cys296fs)

Gene: PTCH1 (patched 1; minus strand). Cytogenetic location: 9q22.32.
Variant type: Deletion.
Coding change: c.886del on transcript NM_000264.5 (MANE Select); coding-DNA position 886, one base deleted (T; older notation c.886delT).
Protein change: p.Cys296fs; shifts the reading frame from cysteine 296.
Molecular consequence: frameshift variant. On other transcripts: non-coding transcript variant (1).
Genome position (GRCh38, 1-based): chr9:95,480,449, A deleted on the plus strand (T on the coding strand, the reverse complement: PTCH1 is on the minus strand). VCF-style (leftmost placement, unchanged base first): chr9-95480448-CA-C. GRCh37 (hg19) VCF-style: chr9-98242730-CA-C.
Other names: c.688del, p.Cys230fs (NM_001083602.3); c.883del, p.Cys295fs (NM_001083603.3); c.433del, p.Cys145fs (NM_001083604.3, NM_001083605.3, NM_001083606.3 and 1 more transcripts); c.886del, p.Cys296fs (NM_001354918.2); short protein forms C230fs, C295fs, C145fs, C296fs.
Identifiers: ClinVar variation 428840 (VCV000428840.15), dbSNP rs1131690987, ClinGen allele CA645369458.

ClinVar aggregate classification (germline): Pathogenic. Review status: criteria provided, multiple submitters, no conflicts (2 of 4 stars). 2 submissions from 2 submitters: Pathogenic (2). Last evaluated 2026-08-25.

Conditions:
Gorlin syndrome. Also called: Nevoid Basal Cell Carcinoma Syndrome; Basal cell nevus syndrome. Identifiers: Orphanet 377, MedGen C0004779, MONDO:0007187.
Hereditary cancer-predisposing syndrome. Also called: Neoplastic Syndromes, Hereditary; Hereditary neoplastic syndrome; Hereditary Cancer Syndrome; Tumor predisposition. Identifiers: Orphanet 140162, MedGen C0027672, MeSH D009386, MONDO:0015356.

Submissions (2):

Ambry Genetics
Classification: Pathogenic for Hereditary cancer-predisposing syndrome. Last evaluated: 2026-08-25. Review status: criteria provided, single submitter. Criteria: Ambry Variant Classification Scheme 2023. Collection method: clinical testing. Allele origin: germline.
Comment: The c.886delT pathogenic mutation, located in coding exon 6 of the PTCH1 gene, results from a deletion of one nucleotide at nucleotide position 886, causing a translational frameshift with a predicted alternate stop codon (p.C296Afs*28). This variant was reported in individual(s) with features consistent with PTCH1-related nevoid basal cell carcinoma syndrome (Aszterbaum M et al. J. Invest. Dermatol., 1998 Jun;110:885-8; Besagni F et al. J Dermatol, 2021 Jul;48:1101-1105; Ambry internal data). This variant is considered to be rare based on population cohorts in the Genome Aggregation Database (gnomAD). This alteration is expected to result in loss of function by premature protein truncation or nonsense-mediated mRNA decay. As such, this alteration is interpreted as a disease-causing mutation.

Labcorp Genetics (formerly Invitae), Labcorp
Classification: Pathogenic for Gorlin syndrome. Last evaluated: 2025-01-14. Review status: criteria provided, single submitter. Criteria: Invitae Variant Classification Sherloc (09022015). Collection method: clinical testing. Allele origin: germline.
Comment: This sequence change creates a premature translational stop signal (p.Cys296Alafs*28) in the PTCH1 gene. It is expected to result in an absent or disrupted protein product. Loss-of-function variants in PTCH1 are known to be pathogenic (PMID: 16301862, 16419085). This variant is not present in population databases (gnomAD no frequency). This premature translational stop signal has been observed in individual(s) with basal cell nevus syndrome (PMID: 9620294). ClinVar contains an entry for this variant (Variation ID: 428840). For these reasons, this variant has been classified as Pathogenic.

Literature cited by the submitters: PubMed 34021633 (cited by Ambry Genetics); PubMed 9620294 (cited by Ambry Genetics and Labcorp Genetics (formerly Invitae), Labcorp); PubMed 16301862 (cited by Labcorp Genetics (formerly Invitae), Labcorp); PubMed 16419085 (cited by Labcorp Genetics (formerly Invitae), Labcorp).